The following is an entry in ClinVar:

ClinVar aggregate classification (germline): Pathogenic (1 of 4 stars; one submission).

Conditions:
Hereditary angioedema type 1 (HAE1). Identifiers: Orphanet 100050, Orphanet 100051, Orphanet 91378, MedGen C2717906, MONDO:0015053, OMIM 106100.

Submission:

DNA-diagnostics Laboratory, Research Centre For Medical Genetics
Classification: Pathogenic for Hereditary angioedema type 1. Last evaluated: 2024-08-15. Review status: criteria provided, single submitter. Criteria: ACMG Guidelines, 2015. Collection method: research. Allele origin: germline. Inheritance: Autosomal dominant inheritance. Affected: yes. Observed: 1 heterozygote.
Comment: The pathogenic or likely pathogenic SERPING1 gene variants are detected in >90% of the HAE1/2 families and in >80% of the total HAE families (e.g., DOI: 10.1016/j.molimm.2008.05.007, 10.1159/2F000138883, 10.1016/j.molimm.2011.07.010). Across all SERPING1 gene exons, about 50% of the pathogenic or likely pathogenic variants associated with HAE are LoF (173/297 in ClinVar or 292/596 in HGMD 2022.1). According to our observation the c.82dupA variant in SERPING1 meets ACMG/ClinGen SVI guidance criteria to be classified as pathogenic: PVS1, PP4_Mod, PM2_Sup

NM_000062.3(SERPING1):c.82dup (p.Ser28fs)

Gene: SERPING1 (serpin family G member 1; plus strand). Cytogenetic location: 11q12.1.
Variant type: Duplication.
Coding change: c.82dup on transcript NM_000062.3 (MANE Select); coding-DNA position 82, one base duplicated (A; older notation c.82dupA).
Protein change: p.Ser28fs; shifts the reading frame from serine 28.
Molecular consequence: frameshift variant.
Genome position (GRCh38, 1-based): chr11:57,599,909, A duplicated. VCF-style (leftmost placement, unchanged base first): chr11-57599908-C-CA. GRCh37 (hg19) VCF-style: chr11-57367381-C-CA.
Other names: c.82dup, p.Ser28fs (NM_001032295.2); c.82dupA (NM_000062.3); short protein forms S28fs.
Identifiers: ClinVar variation 3338297 (VCV003338297.2).